The following is an entry in ClinVar:

NM_001322934.2(NFKB2):c.103+3C>T

Gene: NFKB2 (nuclear factor kappa B subunit 2; plus strand). Cytogenetic location: 10q24.32.
Variant type: single nucleotide variant.
Coding change: c.103+3C>T on transcript NM_001322934.2 (MANE Select); 3 bases into the intron after coding-DNA position 103, C replaced by T.
Molecular consequence: intron variant.
Genome position (GRCh38, 1-based): chr10:102,396,337, C>T. VCF-style: chr10-102396337-C-T. GRCh37 (hg19) VCF-style: chr10-104156094-C-T.
Other names: c.103+3C>T (NM_001288724.1, NM_001322935.1, NM_001077494.3 and 2 more transcripts).
Identifiers: ClinVar variation 4716710 (VCV004716710.1).

ClinVar aggregate classification (germline): Uncertain significance (1 of 4 stars; one submission).

Conditions:
Immunodeficiency, common variable, 10. Also called: IMMUNODEFICIENCY, COMMON VARIABLE, WITH CENTRAL ADRENAL INSUFFICIENCY; DEFICIT IN ANTERIOR PITUITARY FUNCTION AND VARIABLE IMMUNODEFICIENCY. Identifiers: MedGen C3809991, MONDO:0014260, OMIM 615577.

Submission:

Labcorp Genetics (formerly Invitae), Labcorp
Classification: Uncertain significance for Immunodeficiency, common variable, 10. Last evaluated: 2025-04-09. Review status: criteria provided, single submitter. Criteria: Invitae Variant Classification Sherloc (09022015). Collection method: clinical testing. Allele origin: germline.
Comment: This sequence change falls in intron 3 of the NFKB2 gene. It does not directly change the encoded amino acid sequence of the NFKB2 protein. It affects a nucleotide within the consensus splice site. This variant is not present in population databases (gnomAD no frequency). This variant has not been reported in the literature in individuals affected with NFKB2-related conditions. Variants that disrupt the consensus splice site are a relatively common cause of aberrant splicing (PMID: 17576681, 9536098). Algorithms developed to predict the effect of sequence changes on RNA splicing suggest that this variant is not likely to affect RNA splicing. In summary, the available evidence is currently insufficient to determine the role of this variant in disease. Therefore, it has been classified as a Variant of Uncertain Significance.

Literature cited by the submitters: PubMed 17576681; PubMed 9536098.